The following is an entry in ClinVar:

NM_182914.3(SYNE2):c.4768G>T (p.Val1590Phe)

Gene: SYNE2 (spectrin repeat containing nuclear envelope protein 2; plus strand). Cytogenetic location: 14q23.2.
Variant type: single nucleotide variant.
Coding change: c.4768G>T on transcript NM_182914.3 (MANE Select); coding-DNA position 4768, G replaced by T.
Protein change: p.Val1590Phe; replaces valine 1590 with phenylalanine.
Molecular consequence: missense variant.
Genome position (GRCh38, 1-based): chr14:64,016,512, G>T. VCF-style: chr14-64016512-G-T. GRCh37 (hg19) VCF-style: chr14-64483230-G-T.
Other names: c.4768G>T, p.Val1590Phe (NM_015180.6); short protein forms V1590F.
Identifiers: ClinVar variation 1368888 (VCV001368888.7), dbSNP rs1018808319, ClinGen allele CA261806287.
Genomic context (GRCh38, chr14:64,016,512, plus strand): 5'-ACTTTCATATCTTTTTTACAGATTGAAATTGTCAAAGAAGAATTTAATGAGCATTTAGAA[G>T]TTGTAGACAAGATAAACCAGGTCTGCAAAAATCTACAATTTTATCTAAATAAAATGAAAA-3'
Protein context (NP_878918.2, residues 1580-1600): VKEEFNEHLE[Val1590Phe]VDKINQVCKN

ClinVar aggregate classification (germline): Conflicting classifications of pathogenicity. Review status: criteria provided, conflicting classifications (1 of 4 stars). 2 submissions from 2 submitters: Uncertain significance (1); Benign (1). Last evaluated 2025-09-29.

Conditions:
Emery-Dreifuss muscular dystrophy 5, autosomal dominant (EDMD5). Also called: EMERY-DREIFUSS MUSCULAR DYSTROPHY 5. Identifiers: Orphanet 261, MedGen C2751805, MONDO:0013072, OMIM 612999.

Allele frequency attached by ClinVar (database versions not stated): gnomAD exomes below 0.00001; TOPMed below 0.00001.
gnomAD v4.1: 3 of 1,599,674 alleles (0.00019%); highest among the groups gnomAD compares: Admixed American, 0.0017%; no homozygotes.

Submissions (2):

Labcorp Genetics (formerly Invitae), Labcorp
Classification: Uncertain significance for Emery-Dreifuss muscular dystrophy 5, autosomal dominant. Last evaluated: 2025-09-29. Review status: criteria provided, single submitter. Criteria: Invitae Variant Classification Sherloc (09022015). Collection method: clinical testing. Allele origin: germline.
Comment: This sequence change replaces valine, which is neutral and non-polar, with phenylalanine, which is neutral and non-polar, at codon 1590 of the SYNE2 protein (p.Val1590Phe). This variant is not present in population databases (gnomAD no frequency). This variant has not been reported in the literature in individuals affected with SYNE2-related conditions. ClinVar contains an entry for this variant (Variation ID: 1368888). An algorithm developed to predict the effect of missense changes on protein structure and function (PolyPhen-2) suggests that this variant is likely to be disruptive. In summary, the available evidence is currently insufficient to determine the role of this variant in disease. Therefore, it has been classified as a Variant of Uncertain Significance.

Mendelics
Classification: Benign. Last evaluated: 2022-05-04. Review status: criteria provided, single submitter. Criteria: Mendelics Assertion Criteria 2019. Collection method: clinical testing. Allele origin: germline.